The following is an entry in ClinVar:

NC_000002.11:g.(?_211444418)_(211464305_?)del

Gene: CPS1 (carbamoyl-phosphate synthase 1; plus strand). Cytogenetic location: 2q34.
Variant type: Deletion.
Identifiers: ClinVar variation 3247430 (VCV003247430.1).

ClinVar aggregate classification (germline): Pathogenic (1 of 4 stars; one submission).

Conditions:
Congenital hyperammonemia, type I. Also called: Carbamoyl phosphate synthetase 1 deficiency; Hyperammonemia due to carbamoyl phosphate synthetase 1 deficiency; CPS 1 deficiency; Carbamyl phosphate synthetase (CPS) deficiency; CPS I DEFICIENCY; Carbamoyl phosphate synthetase I deficiency disease. Identifiers: Orphanet 147, MedGen C4082171, MONDO:0009376, OMIM 237300.

Submission:

Labcorp Genetics (formerly Invitae), Labcorp
Classification: Pathogenic for Congenital hyperammonemia, type I. Last evaluated: 2024-01-18. Review status: criteria provided, single submitter. Criteria: Invitae Variant Classification Sherloc (09022015). Collection method: clinical testing. Allele origin: unknown.
Comment: This variant is a gross deletion of the genomic region encompassing exon(s) 5-14 of the CPS1 gene. This deletion is out-of-frame, and is expected to create a premature termination codon and result in an absent or disrupted protein product. Loss-of-function variants in CPS1 are known to be pathogenic (PMID: 21120950). This variant has not been reported in the literature in individuals affected with CPS1-related conditions. For these reasons, this variant has been classified as Pathogenic.

Literature cited by the submitters: PubMed 21120950.